The following is an entry in ClinVar:

ClinVar aggregate classification (germline): Conflicting classifications of pathogenicity. Review status: criteria provided, conflicting classifications (1 of 4 stars). 10 submissions from 10 submitters: Uncertain significance (3); Benign (2); Likely benign (3). 2 of the submissions do not count toward it. Last evaluated 2026-01-25.

Conditions:
Noonan syndrome and Noonan-related syndrome. Identifiers: Orphanet 98733, MedGen C5681679, MONDO:0020297.
BRAF-related disorder. Also called: BRAF-related condition.
Cardiovascular phenotype. Identifiers: MedGen CN230736.
RASopathy. Also called: rasopathies; Noonan spectrum disorder. Identifiers: Orphanet 536391, MedGen C5555857, MONDO:0021060.
Noonan syndrome (NS). Also called: Noonan's syndrome. Identifiers: Orphanet 648, MedGen C0028326, MeSH D009634, MONDO:0018997. Disease mechanism: gain of function.

Submissions (10):

Labcorp Genetics (formerly Invitae), Labcorp
Classification: Uncertain significance for RASopathy. Last evaluated: 2026-01-25. Review status: criteria provided, single submitter. Criteria: Invitae Variant Classification Sherloc (09022015). Collection method: clinical testing. Allele origin: germline.
Comment: This variant, c.95_100dup, results in the insertion of 2 amino acid(s) of the BRAF protein (p.Gly32_Ala33dup), but otherwise preserves the integrity of the reading frame. The frequency data for this variant in the population databases is considered unreliable, as metrics indicate poor data quality at this position in the gnomAD database. This variant has been observed in individual(s) with hypertrophic cardiomyopathy (PMID: 33297573). ClinVar contains an entry for this variant (Variation ID: 41448). Experimental studies and prediction algorithms are not available or were not evaluated, and the functional significance of this variant is currently unknown. In summary, the available evidence is currently insufficient to determine the role of this variant in disease. Therefore, it has been classified as a Variant of Uncertain Significance.

Ambry Genetics
Classification: Uncertain significance for Cardiovascular phenotype. Last evaluated: 2025-06-06. Review status: criteria provided, single submitter. Criteria: Ambry Variant Classification Scheme 2023. Collection method: clinical testing. Allele origin: germline.
Comment: The c.95_100dupGCGCCG variant (also known as p.G32_A33dup), located in coding exon 1 of the BRAF gene, results from an in-frame duplication of GCGCCG at nucleotide positions 95 to 100. This results in the duplication of 2 extra residues (GA) between codons 32 and 33. This variant was reported in individual(s) with features consistent with hypertrophic cardiomyopathy (HCM) (Micheu MM et al. Diagnostics (Basel), 2020 Dec;10:[ePub ahead of print]). This amino acid positions are highly conserved in available vertebrate species. In addition, this variant is predicted to be neutral by in silico analysis (Choi Y et al. PLoS ONE. 2012; 7(10):e46688). Based on the available evidence, the clinical significance of this variant remains unclear.

Laboratory of Genetics, Children's Clinical University Hospital Latvia
Classification: Likely benign. Last evaluated: 2025-02-16. Review status: criteria provided, single submitter. Criteria: ACMG Guidelines, 2015. Collection method: clinical testing. Allele origin: germline. Affected: yes.

Blueprint Genetics
Classification: Likely benign. Last evaluated: 2024-11-14. Review status: criteria provided, single submitter. Criteria: ACMG Guidelines, 2015. Collection method: clinical testing. Allele origin: germline.

Women's Health and Genetics/Laboratory Corporation of America, LabCorp
Classification: Likely benign. Last evaluated: 2021-02-08. Review status: criteria provided, single submitter. Criteria: LabCorp Variant Classification Summary - May 2015. Collection method: clinical testing. Allele origin: germline.
Comment: Variant summary: BRAF c.95_100dupGCGCCG (p.Gly32_Ala33dup) results in an in-frame duplication that is predicted to duplicate two amino acids into the encoded protein. The variant allele was found at a frequency of 0.00017 in 157184 control chromosomes (gnomAD and publication data). The observed variant frequency is approximately 37 fold of the estimated maximal expected allele frequency for a pathogenic variant in BRAF causing Cardiofaciocutaneous Syndrome phenotype (4.7e-06), strongly suggesting that the variant is benign. c.95_100dupGCGCCG has been reported in the literature in individuals affected with non-small cell lung cancer and hypertrophic cardiomyopathy as well as in one healthy individual (Shen_2019, Lin_2019, Micheu_2020). These reports do not provide unequivocal conclusions about association of the variant with Cardiofaciocutaneous Syndrome. To our knowledge, no experimental evidence demonstrating an impact on protein function has been reported. Two ClinVar submitters (evaluation after 2014) cite the variant as uncertain significance. Based on the evidence outlined above, the variant was classified as likely benign.

GeneDx
Classification: Benign. Last evaluated: 2019-07-11. Review status: criteria provided, single submitter. Criteria: GeneDx Variant Classification Process June 2021. Collection method: clinical testing. Allele origin: germline. Affected: yes.
Comment: This variant is associated with the following publications: (PMID: 33297573)

Genome Diagnostics Laboratory, The Hospital for Sick Children
Classification: Benign for Noonan syndrome and Noonan-related syndrome. Last evaluated: 2018-11-01. Review status: criteria provided, single submitter. Criteria: ACMG Guidelines, 2015. Collection method: clinical testing. Allele origin: germline.

Eurofins Ntd Llc (ga)
Classification: Uncertain significance. Last evaluated: 2013-03-18. Review status: criteria provided, single submitter. Criteria: EGL Classification Definitions 2015. Collection method: clinical testing. Allele origin: germline. Observed: 1 variant allele, 1 heterozygote.

PreventionGenetics, part of Exact Sciences
Classification: Likely benign for BRAF-related condition. Last evaluated: 2021-06-23. Review status: no assertion criteria provided. Collection method: clinical testing. Allele origin: germline. Not counted in ClinVar's aggregate classification.
Comment: This variant is classified as likely benign based on ACMG/AMP sequence variant interpretation guidelines (Richards et al. 2015 PMID: 25741868, with internal and published modifications).

Service de Génétique Moléculaire, Hôpital Robert Debré
Classification: Likely benign for Noonan syndrome. Review status: no assertion criteria provided. Collection method: clinical testing. Allele origin: maternal. Affected: yes. Not counted in ClinVar's aggregate classification.

Literature cited by the submitters: PubMed 33297573 (cited by 3 submitters); PubMed 30826992 (cited by Women's Health and Genetics/Laboratory Corporation of America, LabCorp); PubMed 31470866 (cited by Women's Health and Genetics/Laboratory Corporation of America, LabCorp).

NM_004333.6(BRAF):c.83GCGCCG[4] (p.28GA[4])

Gene: BRAF (B-Raf proto-oncogene, serine/threonine kinase; minus strand). Cytogenetic location: 7q34.
Variant type: Microsatellite.
Coding change: c.83GCGCCG[4] on transcript NM_004333.6 (MANE Select); four copies in a row of the 6-base unit GCGCCG starting at c.83; the reference has three copies in a row; one copy, 6 bases duplicated.
Protein change: p.28GA[4].
Molecular consequence: inframe insertion.
Genome position (GRCh38, 1-based): chr7:140,924,604-140,924,609, CGGCGC duplicated on the plus strand (GCGCCG on the coding strand, the reverse complement: BRAF is on the minus strand); duplicating any 6 consecutive bases within chr7:140,924,604-140,924,625 gives the same sequence; the position shown is the placement nearest the transcript's 3' end. VCF-style (leftmost placement, unchanged base first): chr7-140924603-G-GCGGCGC. GRCh37 (hg19) VCF-style: chr7-140624403-G-GCGGCGC.
Other names: c.95_100dupGCGCCG (NM_004333.4); c.83GCGCCG[4], p.28GA[4] (NM_001354609.2, NM_001374244.1, NM_001374258.1 and 7 more transcripts).
Identifiers: ClinVar variation 41448 (VCV000041448.25), dbSNP rs397507458, ClinGen allele CA295928.
Genomic context (GRCh38, chr7:140,924,603, plus strand): 5'-GGCAGGGTGGCGCCAGCACTCACCTCCTCCGGAATGGCAGGGTCCGCAGCCGAAGAGGCC[G>GCGGCGC]CGGCGCCGGCGCCGGCGCCGGCCTCGGGCTCCATGTCCCCGTTGAACAGAGCCTGGCCCG-3'